The following is an entry in ClinVar:

NM_001400225.1(MGA):c.3750C>T (p.Asp1250=)

Gene: MGA (MAX dimerization protein MGA; plus strand). Cytogenetic location: 15q15.1.
Variant type: single nucleotide variant.
Coding change: c.3750C>T on transcript NM_001400225.1 (MANE Select); coding-DNA position 3750, C replaced by T.
Protein change: p.Asp1250=; no amino-acid change (aspartic acid 1250 retained).
Molecular consequence: synonymous variant.
Genome position (GRCh38, 1-based): chr15:41,729,256, C>T. VCF-style: chr15-41729256-C-T. GRCh37 (hg19) VCF-style: chr15-42021454-C-T.
Other names: c.3750C>T, p.Asp1250= (NM_001080541.3, NM_001164273.2, NM_001400242.1).
Identifiers: ClinVar variation 2645193 (VCV002645193.24), dbSNP rs1326154118, ClinGen allele CA489833450.
Genomic context (GRCh38, chr15:41,729,256, plus strand): 5'-GTACTTTGAAAGTATGATGACTTGTGCTCGAGTTCGAGTATATGAGCGAAAAAAAGAGGA[C>T]CAGAGACAACCATCTTCCTCCTCCTCCCCATCTCCATCATTTCAGCAGCAAACTTCATGT-3'
Protein context (NP_001387154.1, residues 1240-1260): RVRVYERKKE[Asp1250=]QRQPSSSSSP

ClinVar aggregate classification (germline): Likely benign (1 of 4 stars; one submission).

Allele frequency attached by ClinVar (database versions not stated): TOPMed below 0.00001; gnomAD exomes 0.00002.
gnomAD v4.1: 26 of 1,613,770 alleles (0.0016%); highest among the groups gnomAD compares: Non-Finnish European, 0.0019%; no homozygotes.

Submission:

CeGaT Center for Human Genetics Tuebingen
Classification: Likely benign. Last evaluated: 2023-04-01. Review status: criteria provided, single submitter. Criteria: CeGaT Center For Human Genetics Tuebingen Variant Classification Criteria Version 2. Collection method: clinical testing. Allele origin: germline. Affected: yes. Observed: 1 variant allele.
Comment: MGA: BP4, BP7